The following is an entry in ClinVar:

NM_006005.3(WFS1):c.1316T>G (p.Phe439Cys)

Gene: WFS1 (wolframin ER transmembrane glycoprotein; plus strand). Cytogenetic location: 4p16.1.
Variant type: single nucleotide variant.
Coding change: c.1316T>G on transcript NM_006005.3 (MANE Select); coding-DNA position 1316, T replaced by G.
Protein change: p.Phe439Cys; replaces phenylalanine 439 with cysteine.
Molecular consequence: missense variant.
Genome position (GRCh38, 1-based): chr4:6,301,111, T>G. VCF-style: chr4-6301111-T-G. GRCh37 (hg19) VCF-style: chr4-6302838-T-G.
Other names: p.F439C:TTT>TGT; c.1316T>G, p.Phe439Cys (NM_001145853.1); short protein forms F439C.
Identifiers: ClinVar variation 215388 (VCV000215388.19), dbSNP rs141585847, ClinGen allele CA324094.

ClinVar aggregate classification (germline): Conflicting classifications of pathogenicity. Review status: criteria provided, conflicting classifications (1 of 4 stars). 7 submissions from 7 submitters: Likely pathogenic (1); Uncertain significance (5). 1 of the submissions does not count toward it. Last evaluated 2025-08-18.

Conditions:
WFS1-related disorder. Identifiers: MedGen CN379391, MONDO:0700293.
Wolfram syndrome 1 (WFS1). Identifiers: Orphanet 3463, MedGen C4551693, MONDO:0009101, OMIM 222300.
Autosomal dominant nonsyndromic hearing loss 6 (LFSNHL). Also called: DEAFNESS, AUTOSOMAL DOMINANT 14; DEAFNESS, AUTOSOMAL DOMINANT 38; DEAFNESS, AUTOSOMAL DOMINANT 6; Autosomal dominant nonsyndromic deafness 6. Identifiers: Orphanet 90635, MedGen C1833021, MONDO:0010963, OMIM 600965.
Type 2 diabetes mellitus. Also called: Type II diabetes mellitus. Identifiers: MedGen C0011860, MeSH D003924, MONDO:0005148, OMIM 125853, HP:0005978.
Cataract 41 (CTRCT41). Also called: CATARACT 41, CONGENITAL NUCLEAR TYPE. Identifiers: Orphanet 91492, Orphanet 98991, Orphanet 98992, Orphanet 98995, MedGen C3805412, MONDO:0007287, OMIM 116400.
Wolfram-like syndrome. Also called: HEARING LOSS, PROGRESSIVE, WITH OPTIC ATROPHY AND/OR IMPAIRED GLUCOSE REGULATION. Identifiers: Orphanet 411590, MedGen C3280358, MONDO:0013673, OMIM 614296.
Hearing impairment. Also called: Impaired Hearing. Identifiers: MedGen C1384666, MONDO:0005365, HP:0000365.

Allele frequency attached by ClinVar (database versions not stated): TOPMed 0.00005; gnomAD 0.00006; ExAC 0.00008; gnomAD exomes 0.00008; ESP Exome Variant Server 0.00015.
gnomAD v4.1: 158 of 1,613,778 alleles (0.0098%); highest among the groups gnomAD compares: Middle Eastern, 0.016%; no homozygotes.

Submissions (7):

GeneDx
Classification: Uncertain significance. Last evaluated: 2025-08-18. Review status: criteria provided, single submitter. Criteria: GeneDx Variant Classification Process June 2021. Collection method: clinical testing. Allele origin: germline. Affected: yes.
Comment: Reported as heterozygous in an individual with suspected monogenic diabetes (PMID: 33242514); Reported in individuals undergoing genetic testing for indications unrelated to known WFS1-related disorders (PMID: 31589614, 32771712, 31862442); In silico analysis supports that this missense variant has a deleterious effect on protein structure/function; This variant is associated with the following publications: (PMID: 34426522, 31589614, 26435059, 31862442, 32771712, 36208030, 28432734, 34753855, 33242514, 24890733)

Institute of Immunology and Genetics Kaiserslautern
Classification: Uncertain significance for Wolfram syndrome 1; Wolfram-like syndrome; Autosomal dominant nonsyndromic hearing loss 6. Last evaluated: 2025-05-07. Review status: criteria provided, single submitter. Criteria: ACMG Guidelines, 2015. Collection method: clinical testing. Allele origin: germline.
Comment: ACMG Criteria: PM2_P, PP3, PP5; Variant was found in heterozygous state.

Labcorp Genetics (formerly Invitae), Labcorp
Classification: Uncertain significance. Last evaluated: 2025-04-22. Review status: criteria provided, single submitter. Criteria: Invitae Variant Classification Sherloc (09022015). Collection method: clinical testing. Allele origin: germline.
Comment: This sequence change replaces phenylalanine, which is neutral and non-polar, with cysteine, which is neutral and slightly polar, at codon 439 of the WFS1 protein (p.Phe439Cys). This variant is present in population databases (rs141585847, gnomAD 0.01%). This missense change has been observed in individual(s) with clinical features of WFS1-related conditions (PMID: 24890733). ClinVar contains an entry for this variant (Variation ID: 215388). Invitae Evidence Modeling of protein sequence and biophysical properties (such as structural, functional, and spatial information, amino acid conservation, physicochemical variation, residue mobility, and thermodynamic stability) has been performed for this missense variant. However, the output from this modeling did not meet the statistical confidence thresholds required to predict the impact of this variant on WFS1 protein function. In summary, the available evidence is currently insufficient to determine the role of this variant in disease. Therefore, it has been classified as a Variant of Uncertain Significance.

Blueprint Genetics
Classification: Uncertain significance. Last evaluated: 2024-05-21. Review status: criteria provided, single submitter. Criteria: ACMG Guidelines, 2015. Collection method: clinical testing. Allele origin: germline.

Fulgent Genetics
Classification: Uncertain significance for Cataract 41; Type 2 diabetes mellitus; Wolfram syndrome 1; Autosomal dominant nonsyndromic hearing loss 6; Wolfram-like syndrome. Last evaluated: 2024-04-13. Review status: criteria provided, single submitter. Criteria: ACMG Guidelines, 2015. Collection method: clinical testing. Allele origin: germline.

Department of Otolaryngology – Head & Neck Surgery, Cochlear Implant Center
Classification: Likely pathogenic for Hearing impairment. Last evaluated: 2021-04-12. Review status: criteria provided, single submitter. Criteria: ClinGen HL ACMG Specifications v1. Collection method: clinical testing. Allele origin: germline. Affected: yes.
Comment: PS1_Strong, PM2_Moderate, PP3_Supporting

PreventionGenetics, part of Exact Sciences
Classification: Uncertain significance for WFS1-related condition. Last evaluated: 2023-10-26. Review status: no assertion criteria provided. Collection method: clinical testing. Allele origin: germline. Not counted in ClinVar's aggregate classification.
Comment: The WFS1 c.1316T>G variant is predicted to result in the amino acid substitution p.Phe439Cys. This variant was reported in the heterozygous state in an individual with early onset Wolfram syndrome (Chaussenot et al. 2015. PubMed ID: 24890733). This variant is reported in 0.012% of alleles in individuals of European (Non-Finnish) descent in gnomAD. At this time, the clinical significance of this variant is uncertain due to the absence of conclusive functional and genetic evidence.

Literature cited by the submitters: PubMed 24890733 (cited by Labcorp Genetics (formerly Invitae), Labcorp and Department of Otolaryngology – Head & Neck Surgery, Cochlear Implant Center).